The following is an entry in ClinVar:

NM_033109.5(PNPT1):c.394C>T (p.Arg132Ter)

Gene: PNPT1 (polyribonucleotide nucleotidyltransferase 1; minus strand). Cytogenetic location: 2p16.1.
Variant type: single nucleotide variant.
Coding change: c.394C>T on transcript NM_033109.5 (MANE Select); coding-DNA position 394, C replaced by T.
Protein change: p.Arg132Ter; replaces arginine 132 with a stop codon.
Molecular consequence: nonsense.
Genome position (GRCh38, 1-based): chr2:55,684,952, G>A on the plus strand (C>T on the coding strand, the complement: PNPT1 is on the minus strand). VCF-style: chr2-55684952-G-A. GRCh37 (hg19) VCF-style: chr2-55912087-G-A.
Other names: short protein forms R132*.
Identifiers: ClinVar variation 2140524 (VCV002140524.5), dbSNP rs780383722, ClinGen allele CA321958.

ClinVar aggregate classification (germline): Pathogenic/Likely pathogenic. Review status: criteria provided, multiple submitters, no conflicts (2 of 4 stars). 2 submissions from 2 submitters: Pathogenic (1); Likely pathogenic (1). Last evaluated 2022-11-19.

Conditions:
Combined oxidative phosphorylation defect type 13. Also called: Combined oxidative phosphorylation deficiency 13. Identifiers: Orphanet 319514, MedGen C4706283, MONDO:0013977, OMIM 614932.

Allele frequency attached by ClinVar (database versions not stated): ExAC 0.00001; gnomAD 0.00001; TOPMed 0.00001.
gnomAD v4.1: 6 of 1,568,154 alleles (0.00038%); highest among the groups gnomAD compares: African/African-American, 0.0014%; no homozygotes.

Submissions (2):

Labcorp Genetics (formerly Invitae), Labcorp
Classification: Pathogenic. Last evaluated: 2022-11-19. Review status: criteria provided, single submitter. Criteria: Invitae Variant Classification Sherloc (09022015). Collection method: clinical testing. Allele origin: germline.
Comment: For these reasons, this variant has been classified as Pathogenic. This variant has not been reported in the literature in individuals affected with PNPT1-related conditions. This variant is present in population databases (rs780383722, gnomAD 0.004%). This sequence change creates a premature translational stop signal (p.Arg132*) in the PNPT1 gene. It is expected to result in an absent or disrupted protein product. Loss-of-function variants in PNPT1 are known to be pathogenic (PMID: 28594066, 30244537).

3billion
Classification: Likely pathogenic for Combined oxidative phosphorylation defect type 13. Review status: criteria provided, single submitter. Criteria: ACMG Guidelines, 2015. Collection method: clinical testing. Allele origin: unknown. Affected: yes. Observed: 1 heterozygote.
Comment: The variant is observed at an extremely low frequency in the gnomAD v2.1.1 dataset (total allele frequency: <0.001%). The variant is predicted to result in a loss or disruption of normal protein function through nonsense-mediated decay (NMD) or protein truncation. Multiple pathogenic variants are reported downstream of the variant. Therefore, this variant is classified as Likely pathogenic according to the recommendation of ACMG/AMP guideline.

Literature cited by the submitters: PubMed 28594066 (cited by Labcorp Genetics (formerly Invitae), Labcorp); PubMed 30244537 (cited by Labcorp Genetics (formerly Invitae), Labcorp).